The following is an entry in ClinVar:

NM_000081.4(LYST):c.1492A>T (p.Arg498Ter)

Gene: LYST (lysosomal trafficking regulator; minus strand). Cytogenetic location: 1q42.3.
Variant type: single nucleotide variant.
Coding change: c.1492A>T on transcript NM_000081.4 (MANE Select); coding-DNA position 1492, A replaced by T.
Protein change: p.Arg498Ter; replaces arginine 498 with a stop codon.
Molecular consequence: nonsense.
Genome position (GRCh38, 1-based): chr1:235,809,326, T>A on the plus strand (A>T on the coding strand, the complement: LYST is on the minus strand). VCF-style: chr1-235809326-T-A. GRCh37 (hg19) VCF-style: chr1-235972626-T-A.
Other names: c.1492A>T, p.Arg498Ter (NM_001301365.1); short protein forms R498*.
Identifiers: ClinVar variation 2771732 (VCV002771732.3), dbSNP rs2527114523, ClinGen allele CA344962279.

ClinVar aggregate classification (germline): Pathogenic (1 of 4 stars; one submission).

Conditions:
Chédiak-Higashi syndrome (CHS). Also called: Chediak-Higashi Syndrome. Identifiers: Orphanet 167, MedGen C0007965, MONDO:0008963, OMIM 214500.

Submission:

Labcorp Genetics (formerly Invitae), Labcorp
Classification: Pathogenic for Chédiak-Higashi syndrome. Last evaluated: 2023-10-25. Review status: criteria provided, single submitter. Criteria: Invitae Variant Classification Sherloc (09022015). Collection method: clinical testing. Allele origin: germline.
Comment: This sequence change creates a premature translational stop signal (p.Arg498*) in the LYST gene. It is expected to result in an absent or disrupted protein product. Loss-of-function variants in LYST are known to be pathogenic (PMID: 9215679, 11857544). This variant is not present in population databases (gnomAD no frequency). This variant has not been reported in the literature in individuals affected with LYST-related conditions. For these reasons, this variant has been classified as Pathogenic.

Literature cited by the submitters: PubMed 9215679; PubMed 11857544.